The following is an entry in ClinVar:

NM_032043.3(BRIP1):c.3308T>A (p.Ile1103Asn)

Gene: BRIP1 (BRCA1 interacting DNA helicase 1; minus strand). Cytogenetic location: 17q23.2.
Variant type: single nucleotide variant.
Coding change: c.3308T>A on transcript NM_032043.3 (MANE Select); coding-DNA position 3308, T replaced by A.
Protein change: p.Ile1103Asn; replaces isoleucine 1103 with asparagine.
Molecular consequence: missense variant.
Genome position (GRCh38, 1-based): chr17:61,683,738, A>T on the plus strand (T>A on the coding strand, the complement: BRIP1 is on the minus strand). VCF-style: chr17-61683738-A-T. GRCh37 (hg19) VCF-style: chr17-59761099-A-T.
Other names: short protein forms I1103N.
Identifiers: ClinVar variation 407875 (VCV000407875.26), dbSNP rs781102464, ClinGen allele CA16615762.

ClinVar aggregate classification (germline): Uncertain significance. Review status: criteria provided, multiple submitters, no conflicts (2 of 4 stars). 5 submissions from 5 submitters: Uncertain significance (5). Last evaluated 2025-11-24.

Conditions:
Hereditary cancer-predisposing syndrome. Also called: Hereditary neoplastic syndrome; Neoplastic Syndromes, Hereditary; Tumor predisposition; Hereditary Cancer Syndrome. Identifiers: Orphanet 140162, MedGen C0027672, MeSH D009386, MONDO:0015356.
Familial cancer of breast. Also called: Hereditary breast cancer; hereditary breast carcinoma; BREAST CANCER, FAMILIAL. Identifiers: Orphanet 227535, MedGen C0346153, MONDO:0016419, OMIM 114480. Disease mechanism: loss of function.
Fanconi anemia complementation group J. Also called: BRIP1-Related Fanconi Anemia. Identifiers: Orphanet 84, MedGen C1836860, MONDO:0012187, OMIM 609054.

Allele frequency attached by ClinVar (database versions not stated): gnomAD 0.00001; TOPMed 0.00002.
gnomAD v4.1: 1 of 1,613,876 alleles (0.000062%); highest among the groups gnomAD compares: Non-Finnish European, 0.000085%; no homozygotes.

Submissions (5):

Color Diagnostics, LLC DBA Color Health
Classification: Uncertain significance for Hereditary cancer-predisposing syndrome. Last evaluated: 2025-11-24. Review status: criteria provided, single submitter. Criteria: ACMG Guidelines, 2015. Collection method: clinical testing. Allele origin: germline.
Comment: This missense variant replaces isoleucine with asparagine at codon 1103 of the BRIP1 protein. Computational prediction suggests that this variant may not impact protein structure and function. To our knowledge, functional studies have not been reported for this variant. This variant has not been reported in individuals affected with BRIP1-related disorders in the literature. This variant has not been identified in the general population by the Genome Aggregation Database (gnomAD). The available evidence is insufficient to determine the role of this variant in disease conclusively. Therefore, this variant is classified as a Variant of Uncertain Significance.

Ambry Genetics
Classification: Uncertain significance for Hereditary cancer-predisposing syndrome. Last evaluated: 2025-11-23. Review status: criteria provided, single submitter. Criteria: Ambry Variant Classification Scheme 2023. Collection method: clinical testing. Allele origin: germline.
Comment: The p.I1103N variant (also known as c.3308T>A), located in coding exon 19 of the BRIP1 gene, results from a T to A substitution at nucleotide position 3308. The isoleucine at codon 1103 is replaced by asparagine, an amino acid with dissimilar properties. This amino acid position is not well conserved in available vertebrate species. In addition, this alteration is predicted to be tolerated by in silico analysis. Since supporting evidence is limited at this time, the clinical significance of this alteration remains unclear.

Labcorp Genetics (formerly Invitae), Labcorp
Classification: Uncertain significance for Familial cancer of breast; Fanconi anemia complementation group J. Last evaluated: 2025-11-05. Review status: criteria provided, single submitter. Criteria: Invitae Variant Classification Sherloc (09022015). Collection method: clinical testing. Allele origin: germline.
Comment: This sequence change replaces isoleucine, which is neutral and non-polar, with asparagine, which is neutral and polar, at codon 1103 of the BRIP1 protein (p.Ile1103Asn). This variant is not present in population databases (gnomAD no frequency). This variant has not been reported in the literature in individuals affected with BRIP1-related conditions. ClinVar contains an entry for this variant (Variation ID: 407875). Invitae Evidence Modeling of protein sequence and biophysical properties (such as structural, functional, and spatial information, amino acid conservation, physicochemical variation, residue mobility, and thermodynamic stability) indicates that this missense variant is not expected to disrupt BRIP1 protein function with a negative predictive value of 95%. In summary, the available evidence is currently insufficient to determine the role of this variant in disease. Therefore, it has been classified as a Variant of Uncertain Significance.

Baylor Genetics
Classification: Uncertain significance for Familial cancer of breast. Last evaluated: 2024-02-06. Review status: criteria provided, single submitter. Criteria: ACMG Guidelines, 2015. Collection method: clinical testing. Allele origin: unknown.

GeneDx
Classification: Uncertain significance. Last evaluated: 2023-06-09. Review status: criteria provided, single submitter. Criteria: GeneDx Variant Classification Process June 2021. Collection method: clinical testing. Allele origin: germline. Affected: yes.
Comment: Not observed at significant frequency in large population cohorts (gnomAD); In silico analysis supports that this missense variant does not alter protein structure/function; Has not been previously published as pathogenic or benign to our knowledge